The following is an entry in ClinVar:

ClinVar aggregate classification (germline): Uncertain significance (1 of 4 stars; one submission).

Conditions:
Juvenile polyposis syndrome (JPS). Identifiers: Orphanet 2929, MedGen C0345893, MONDO:0017380, OMIM 174900.

Submission:

Labcorp Genetics (formerly Invitae), Labcorp
Classification: Uncertain significance for Juvenile polyposis syndrome. Last evaluated: 2024-08-03. Review status: criteria provided, single submitter. Criteria: Invitae Variant Classification Sherloc (09022015). Collection method: clinical testing. Allele origin: germline.
Comment: This sequence change replaces proline, which is neutral and non-polar, with leucine, which is neutral and non-polar, at codon 218 of the SMAD4 protein (p.Pro218Leu). This variant is not present in population databases (gnomAD no frequency). This variant has not been reported in the literature in individuals affected with SMAD4-related conditions. ClinVar contains an entry for this variant (Variation ID: 956227). Advanced modeling of protein sequence and biophysical properties (such as structural, functional, and spatial information, amino acid conservation, physicochemical variation, residue mobility, and thermodynamic stability) performed at Invitae indicates that this missense variant is not expected to disrupt SMAD4 protein function with a negative predictive value of 95%. In summary, the available evidence is currently insufficient to determine the role of this variant in disease. Therefore, it has been classified as a Variant of Uncertain Significance.

NM_005359.6(SMAD4):c.653C>T (p.Pro218Leu)

Gene: SMAD4 (SMAD family member 4; plus strand). Cytogenetic location: 18q21.2.
Variant type: single nucleotide variant.
Coding change: c.653C>T on transcript NM_005359.6 (MANE Select); coding-DNA position 653, C replaced by T.
Protein change: p.Pro218Leu; replaces proline 218 with leucine.
Molecular consequence: missense variant.
Genome position (GRCh38, 1-based): chr18:51,054,979, C>T. VCF-style: chr18-51054979-C-T. GRCh37 (hg19) VCF-style: chr18-48581349-C-T.
Other names: short protein forms P218L.
Identifiers: ClinVar variation 956227 (VCV000956227.9), dbSNP rs1909802993, ClinGen allele CA402461321.